The following is an entry in ClinVar:

ClinVar aggregate classification (germline): Benign/Likely benign. Review status: criteria provided, multiple submitters, no conflicts (2 of 4 stars). 4 submissions from 4 submitters: Benign (1); Likely benign (3). Last evaluated 2025-10-09.

Conditions:
Hereditary cancer-predisposing syndrome. Also called: Hereditary Cancer Syndrome; Neoplastic Syndromes, Hereditary; Tumor predisposition; Hereditary neoplastic syndrome. Identifiers: Orphanet 140162, MedGen C0027672, MeSH D009386, MONDO:0015356.
Familial cancer of breast. Also called: BREAST CANCER, FAMILIAL; hereditary breast carcinoma; Hereditary breast cancer. Identifiers: Orphanet 227535, MedGen C0346153, MONDO:0016419, OMIM 114480. Disease mechanism: loss of function.
Fanconi anemia complementation group J. Also called: BRIP1-Related Fanconi Anemia. Identifiers: Orphanet 84, MedGen C1836860, MONDO:0012187, OMIM 609054.

Allele frequency attached by ClinVar (database versions not stated): TOPMed below 0.00001; gnomAD 0.00001; gnomAD exomes 0.00004; ESP Exome Variant Server 0.00008.
gnomAD v4.1: 57 of 1,613,504 alleles (0.0035%); highest among the groups gnomAD compares: Non-Finnish European, 0.0047%; no homozygotes.

Submissions (4):

Labcorp Genetics (formerly Invitae), Labcorp
Classification: Likely benign for Familial cancer of breast; Fanconi anemia complementation group J. Last evaluated: 2025-10-09. Review status: criteria provided, single submitter. Criteria: Invitae Variant Classification Sherloc (09022015). Collection method: clinical testing. Allele origin: germline.

Myriad Genetics, Inc.
Classification: Benign for Familial cancer of breast. Last evaluated: 2024-09-10. Review status: criteria provided, single submitter. Criteria: Myriad Autosomal Dominant, Autosomal Recessive and X-Linked Classification Criteria (2023). Collection method: clinical testing. Allele origin: unknown.
Comment: This variant is considered benign. This variant is a silent/synonymous amino acid change and it is not expected to impact splicing.

Ambry Genetics
Classification: Likely benign for Hereditary cancer-predisposing syndrome. Last evaluated: 2019-01-31. Review status: criteria provided, single submitter. Criteria: Ambry Variant Classification Scheme 2023. Collection method: clinical testing. Allele origin: germline.

Color Diagnostics, LLC DBA Color Health
Classification: Likely benign for Hereditary cancer-predisposing syndrome. Last evaluated: 2018-08-17. Review status: criteria provided, single submitter. Criteria: ACMG Guidelines, 2015. Collection method: clinical testing. Allele origin: germline.

NM_032043.3(BRIP1):c.3636T>C (p.Asn1212=)

Gene: BRIP1 (BRCA1 interacting DNA helicase 1; minus strand). Cytogenetic location: 17q23.2.
Variant type: single nucleotide variant.
Coding change: c.3636T>C on transcript NM_032043.3 (MANE Select); coding-DNA position 3636, T replaced by C.
Protein change: p.Asn1212=; no amino-acid change (asparagine 1212 retained).
Molecular consequence: synonymous variant.
Genome position (GRCh38, 1-based): chr17:61,683,410, A>G on the plus strand (T>C on the coding strand, the complement: BRIP1 is on the minus strand). VCF-style: chr17-61683410-A-G. GRCh37 (hg19) VCF-style: chr17-59760771-A-G.
Identifiers: ClinVar variation 630230 (VCV000630230.18), dbSNP rs374392860, ClinGen allele CA292267120.